The following is an entry in ClinVar:

NM_003900.5(SQSTM1):c.631C>T (p.Pro211Ser)

Gene: SQSTM1 (sequestosome 1; plus strand). Cytogenetic location: 5q35.3.
Variant type: single nucleotide variant.
Coding change: c.631C>T on transcript NM_003900.5 (MANE Select); coding-DNA position 631, C replaced by T.
Protein change: p.Pro211Ser; replaces proline 211 with serine.
Molecular consequence: missense variant.
Genome position (GRCh38, 1-based): chr5:179,824,281, C>T. VCF-style: chr5-179824281-C-T. GRCh37 (hg19) VCF-style: chr5-179251281-C-T.
Other names: c.379C>T, p.Pro127Ser (NM_001142298.2, NM_001142299.2); c.631C>T (NM_003900.4); short protein forms P211S, P127S.
Identifiers: ClinVar variation 2198589 (VCV002198589.5), dbSNP rs971439947, ClinGen allele CA133099152.
Genomic context (GRCh38, chr5:179,824,281, plus strand): 5'-GGACACTTCGGGTGGCCAGGATGGGAAATGGGTCCACCAGGAAACTGGAGCCCACGTCCT[C>T]CTCGTGCAGGGGAGGCCCGCCCTGGCCCCACGGCAGAATCAGGTGAGGCTTGTGTTGGAA-3'
Protein context (NP_003891.1, residues 201-221): GPPGNWSPRP[Pro211Ser]RAGEARPGPT

ClinVar aggregate classification (germline): Uncertain significance. Review status: criteria provided, multiple submitters, no conflicts (2 of 4 stars). 2 submissions from 2 submitters: Uncertain significance (2). Last evaluated 2025-04-29.

Conditions:
Inborn genetic diseases. Identifiers: MedGen C0950123, MeSH D030342.
Frontotemporal dementia and/or amyotrophic lateral sclerosis 1 (FTDALS1). Also called: Frontotemporal dementia with motor neuron disease 1; C9orf72 Frontotemporal Dementia and/or Amyotrophic Lateral Sclerosis. Identifiers: Orphanet 275872, MedGen C5779877, MONDO:0007105, OMIM 105550.
Paget disease of bone 2, early-onset (PDB2). Also called: Paget disease of bone 2. Identifiers: MedGen C4085251, MONDO:0011183, OMIM 602080.

Allele frequency attached by ClinVar (database versions not stated): gnomAD exomes 0.00001; TOPMed 0.00001.

Submissions (2):

Ambry Genetics
Classification: Uncertain significance for Inborn genetic diseases. Last evaluated: 2025-04-29. Review status: criteria provided, single submitter. Criteria: Ambry Variant Classification Scheme 2023. Collection method: clinical testing. Allele origin: germline.

Labcorp Genetics (formerly Invitae), Labcorp
Classification: Uncertain significance for Paget disease of bone 2, early-onset; Frontotemporal dementia and/or amyotrophic lateral sclerosis 1. Last evaluated: 2023-10-03. Review status: criteria provided, single submitter. Criteria: Invitae Variant Classification Sherloc (09022015). Collection method: clinical testing. Allele origin: germline.
Comment: This sequence change replaces proline, which is neutral and non-polar, with serine, which is neutral and polar, at codon 211 of the SQSTM1 protein (p.Pro211Ser). This variant is present in population databases (no rsID available, gnomAD 0.0009%). This variant has not been reported in the literature in individuals affected with SQSTM1-related conditions. ClinVar contains an entry for this variant (Variation ID: 2198589). Advanced modeling of protein sequence and biophysical properties (such as structural, functional, and spatial information, amino acid conservation, physicochemical variation, residue mobility, and thermodynamic stability) performed at Invitae indicates that this missense variant is not expected to disrupt SQSTM1 protein function. In summary, the available evidence is currently insufficient to determine the role of this variant in disease. Therefore, it has been classified as a Variant of Uncertain Significance.